The following is an entry in ClinVar:

ClinVar aggregate classification (germline): Pathogenic (1 of 4 stars; one submission).

Conditions:
Developmental and epileptic encephalopathy, 1 (DEE1). Also called: X-linked infantile spasms; West's syndrome; Tonic spasms with clustering, arrest of psychomotor development and hypsarrhythmia on EEG; X-Linked Infantile Spasm Syndrome; OHTAHARA SYNDROME, X-LINKED; INFANTILE SPASM SYNDROME, X-LINKED 1. Identifiers: MedGen C3463992, MONDO:0010632, OMIM 308350. Disease mechanism: loss of function.
Autosomal dominant nonsyndromic hearing loss 65. Also called: Deafness, autosomal dominant 65; TBC1D24-Related Autosomal Dominant Nonsyndromic Hearing Loss (DFNA). Identifiers: Orphanet 90635, MedGen C3892048, MONDO:0014470, OMIM 616044.

Submission:

Labcorp Genetics (formerly Invitae), Labcorp
Classification: Pathogenic for Developmental and epileptic encephalopathy, 1; Autosomal dominant nonsyndromic hearing loss 65. Last evaluated: 2025-01-06. Review status: criteria provided, single submitter. Criteria: Invitae Variant Classification Sherloc (09022015). Collection method: clinical testing. Allele origin: germline.
Comment: This sequence change creates a premature translational stop signal (p.Cys223*) in the TBC1D24 gene. It is expected to result in an absent or disrupted protein product. Loss-of-function variants in TBC1D24 are known to be pathogenic (PMID: 23526554, 24291220). Information on the frequency of this variant in the gnomAD database is not available, as this variant may be reported differently in the database. This variant has not been reported in the literature in individuals affected with TBC1D24-related conditions. ClinVar contains an entry for this variant (Variation ID: 1970211). For these reasons, this variant has been classified as Pathogenic.

Literature cited by the submitters: PubMed 23526554; PubMed 24291220.

NM_001199107.2(TBC1D24):c.668_669delinsAA (p.Cys223Ter)

Gene: TBC1D24 (TBC1 domain family member 24; plus strand). Cytogenetic location: 16p13.3.
Variant type: Indel.
Coding change: c.668_669delinsAA on transcript NM_001199107.2 (MANE Select); coding-DNA positions 668 to 669, GC replaced by AA.
Protein change: p.Cys223Ter; replaces cysteine 223 with a stop codon.
Molecular consequence: nonsense.
Genome position (GRCh38, 1-based): chr16:2,496,816-2,496,817, GC replaced by AA. VCF-style: chr16-2496816-GC-AA. GRCh37 (hg19) VCF-style: chr16-2546817-GC-AA.
Other names: c.668_669delinsAA, p.Cys223Ter (NM_020705.3); short protein forms C223*.
Identifiers: ClinVar variation 1970211 (VCV001970211.5), dbSNP rs2505515437, ClinGen allele CA2580091039.
Genomic context (GRCh38, chr16:2,496,816, plus strand): 5'-AGGATGTCCTGCAGGTCTATGCGGACTGGCAGCGCTGGCTGTTTGGGGAGCTGCCCCTCT[GC>AA]TACTTCGCCCGGGTCTTTGACGTCTTCCTGGTGGAGGGCTACAAGGTGCTGTACCGCGTG-3'